The following is an entry in ClinVar:

NM_015909.4(NBAS):c.5723A>G (p.Lys1908Arg)

Gene: NBAS (NBAS subunit of NRZ tethering complex; minus strand). Cytogenetic location: 2p24.3.
Variant type: single nucleotide variant.
Coding change: c.5723A>G on transcript NM_015909.4 (MANE Select); coding-DNA position 5723, A replaced by G.
Protein change: p.Lys1908Arg; replaces lysine 1908 with arginine.
Molecular consequence: missense variant. On other transcripts: non-coding transcript variant (1).
Genome position (GRCh38, 1-based): chr2:15,275,485, T>C on the plus strand (A>G on the coding strand, the complement: NBAS is on the minus strand). VCF-style: chr2-15275485-T-C. GRCh37 (hg19) VCF-style: chr2-15415609-T-C.
Other names: short protein forms K1908R.
Identifiers: ClinVar variation 2502789 (VCV002502789.1), dbSNP rs2528114101, ClinGen allele CA345881915.
Genomic context (GRCh38, chr2:15,275,485, plus strand): 5'-GGAGAAATTTTCATTTCTTCTACTGTGCTCAAACCACTTTAAAATATCTTTTTGTTTACC[T>C]TGGTCACAGCTTTTGGAGAAAATGTAACTGCATCTACCACAGTGATGAGGTCACCTGGGT-3'
Protein context (NP_056993.2, residues 1898-1918): AVTFSPKAVT[Lys1908Arg]LSVEARKEMT

ClinVar aggregate classification (germline): Uncertain significance (1 of 4 stars; one submission).

Allele frequency attached by ClinVar (database versions not stated): gnomAD exomes 0.00001.
gnomAD v4.1: 3 of 1,614,010 alleles (0.00019%); highest among the groups gnomAD compares: Non-Finnish European, 0.00025%; no homozygotes.

Submission:

GeneDx
Classification: Uncertain significance. Last evaluated: 2022-11-21. Review status: criteria provided, single submitter. Criteria: GeneDx Variant Classification Process June 2021. Collection method: clinical testing. Allele origin: germline. Affected: yes.
Comment: Not observed at significant frequency in large population cohorts (gnomAD); In silico analysis supports that this missense variant does not alter protein structure/function; Has not been previously published as pathogenic or benign to our knowledge; In silico analysis is inconclusive as to whether the variant alters gene splicing. In the absence of RNA/functional studies, the actual effect of this sequence change is unknown.